The following is an entry in ClinVar:

NM_015506.3(MMACHC):c.616C>T (p.Arg206Trp)

Genes: MMACHC (metabolism of cobalamin associated C; plus strand), LOC129930446 (ATAC-STARR-seq lymphoblastoid active region 972; plus strand). Cytogenetic location: 1p34.1.
Variant type: single nucleotide variant.
Coding change: c.616C>T on transcript NM_015506.3 (MANE Select); coding-DNA position 616, C replaced by T.
Protein change: p.Arg206Trp; replaces arginine 206 with tryptophan.
Molecular consequence: missense variant.
Genome position (GRCh38, 1-based): chr1:45,508,982, C>T. VCF-style: chr1-45508982-C-T. GRCh37 (hg19) VCF-style: chr1-45974654-C-T.
Other names: c.445C>T, p.Arg149Trp (NM_001330540.2); short protein forms R206W, R149W.
Identifiers: ClinVar variation 203832 (VCV000203832.22), dbSNP rs538023671, ClinGen allele CA312738.

ClinVar aggregate classification (germline): Pathogenic/Likely pathogenic. Review status: criteria provided, multiple submitters, no conflicts (2 of 4 stars). 7 submissions from 7 submitters: Pathogenic (3); Likely pathogenic (2). 2 of the submissions do not count toward it. Last evaluated 2026-01-15.

Conditions:
Cobalamin C disease. Also called: Cobalamin-C methylmalonic acidemia and homocystinuria; Methylmalonic acidemia and homocystinuria cblC type; Methylmalonic aciduria and homocystinuria, Vitamin B12-responsive; Vitamin B12 metabolic defect with combined deficiency of methylmalonyl-CoA mutase and homocysteine:methyltetrahydrofolate methyltransferase; methylmalonic aciduria and homocystinuria type cblC; Methylmalonic aciduria with homocystinuria cblC type. Identifiers: Orphanet 26, Orphanet 79282, MedGen C1848561, MONDO:0010184, OMIM 277400.

Allele frequency attached by ClinVar (database versions not stated): gnomAD exomes 0.00001; TOPMed below 0.00001; gnomAD 0.00001.
gnomAD v4.1: 11 of 1,614,050 alleles (0.00068%); highest among the groups gnomAD compares: Middle Eastern, 0.016%; no homozygotes.

Submissions (7):

Variantyx, Inc.
Classification: Likely pathogenic for Cobalamin C disease. Last evaluated: 2026-01-15. Review status: criteria provided, single submitter. Criteria: Variantyx Assertion Criteria 2022. Collection method: clinical testing. Allele origin: germline. Inheritance: Autosomal recessive inheritance.
Comment: This is a nonsynonymous variant in the MMACHC gene (OMIM: 609831). Pathogenic variants in this gene have been associated with autosomal recessive combined methylmalonic aciduria and homocystinuria type cblC . This variant has been identified in the homozygous or compound heterozygous state in multiple individuals from the published literature (PMID: 16311595, 20610126, 26149271, 24599607)(PM3_Very_Strong). Multiple computational algorithms predict a deleterious effect for this variant (REVEL score: 0.892) (PP3_Moderate), and an alternate amino acid change at this position (c.617G>A (p.Arg206Gln)) has been previously reported in similarly affected individuals, which suggests that this residue is biologically important (PMID: 30157807) (PM5). This variant has a 0.0045% maximum allele frequency in non-founder control populations (PM2_Supporting). Based on the current evidence, this variant is classified as pathogenic for autosomal recessive combined methylmalonic aciduria and homocystinuria type cblC .

Natera, Inc.
Classification: Pathogenic for Methylmalonic aciduria and homocystinuria cblC type. Last evaluated: 2025-08-11. Review status: criteria provided, single submitter. Criteria: Natera Variant Classification Schema (03/2026). Collection method: clinical testing. Allele origin: germline.
Comment: The c.616C>T variant in MMACHC is a missense variant predicted to cause substitution of arginine to tryptophan at amino acid 206. This variant is rare in the general population with a frequency below the threshold expected for the associated phenotype(s). This variant has been observed in one or more individuals affected with the associated recessive disease, as either homozygous or compound heterozygous with a second variant (PMID: 38750596, 37770946, 20631720, 26149271, 20610126). A different variant at the same position has been determined to be Pathogenic or Likely Pathogenic. Computational prediction algorithms indicate this variant is likely to affect gene or protein function. Given the available evidence, this variant is classified as Pathogenic.

Labcorp Genetics (formerly Invitae), Labcorp
Classification: Pathogenic for Cobalamin C disease. Last evaluated: 2024-05-29. Review status: criteria provided, single submitter. Criteria: Invitae Variant Classification Sherloc (09022015). Collection method: clinical testing. Allele origin: germline.
Comment: This sequence change replaces arginine, which is basic and polar, with tryptophan, which is neutral and slightly polar, at codon 206 of the MMACHC protein (p.Arg206Trp). This variant is present in population databases (no rsID available, gnomAD 0.006%). This missense change has been observed in individual(s) with methylmalonic aciduria and homocystinuria (PMID: 16311595, 20610126, 20631720, 26149271). In at least one individual the data is consistent with being in trans (on the opposite chromosome) from a pathogenic variant. ClinVar contains an entry for this variant (Variation ID: 203832). Advanced modeling of protein sequence and biophysical properties (such as structural, functional, and spatial information, amino acid conservation, physicochemical variation, residue mobility, and thermodynamic stability) has been performed at Invitae for this missense variant, however the output from this modeling did not meet the statistical confidence thresholds required to predict the impact of this variant on MMACHC protein function. This variant disrupts the p.Arg206 amino acid residue in MMACHC. Other variant(s) that disrupt this residue have been determined to be pathogenic (PMID: 30157807). This suggests that this residue is clinically significant, and that variants that disrupt this residue are likely to be disease-causing. For these reasons, this variant has been classified as Pathogenic.

Clinical Genomics Laboratory, Washington University in St. Louis
Classification: Pathogenic for Cobalamin C disease. Last evaluated: 2024-04-05. Review status: criteria provided, single submitter. Criteria: ACMG Guidelines, 2015. Collection method: clinical testing. Allele origin: germline. Affected: yes.
Comment: The MMACHC c.616C>T (p.Arg206Trp) variant has been reported in at least four individuals in the compound heterozygous state affected with methylmalonic aciduria and homocystinuria, cblC type (Frattini D et al., PMID: 20610126; Lerner-Ellis JP et al., PMID: 16311595; Liu MY et al., PMID: 20631720; Zhong Y et al., PMID: 26149271). Another variant in the same codon, c.617G>A (p.Arg206Gln), has been reported in affected individuals and is considered pathogenic (Hu S et al., PMID: 30157807, ClinVar Variation ID: 848845). This variant is only observed on 1/249,530 alleles in the general population (gnomAD v.2.1.1), indicating it is not a common variant. Computational predictors indicate that the variant is damaging, evidence that correlates with impact to MMACHC function. This variant has been reported in the ClinVar database as a germline pathogenic variant by three groups, likely pathogenic by one group and a variant of uncertain significance by one group. Based on available information and the ACMG/AMP guidelines for variant interpretation (Richards S et al., PMID: 25741868), this variant is classified as pathogenic.

Kariminejad - Najmabadi Pathology & Genetics Center
Classification: Likely pathogenic for Cobalamin C disease. Review status: criteria provided, single submitter. Criteria: ACMG Guidelines, 2015. Collection method: clinical testing. Allele origin: germline. Affected: no.

Counsyl
Classification: Likely pathogenic for Cobalamin C disease. Last evaluated: 2018-01-31. Review status: no assertion criteria provided. Collection method: clinical testing. Allele origin: unknown. Not counted in ClinVar's aggregate classification.

Soonchunhyang University Bucheon Hospital, Soonchunhyang University Medical Center
Classification: Uncertain significance for Cobalamin C disease. Last evaluated: 2016-03-18. Review status: flagged submission. Criteria: ACMG Guidelines, 2015. Collection method: reference population. Allele origin: germline. Observed: 1 variant allele. Not counted in ClinVar's aggregate classification.
ClinVar note: Reason: Outlier claim with insufficient supporting evidence

Literature cited by the submitters: PubMed 6311595 (cited by Variantyx, Inc.); PubMed 20610126 (cited by 4 submitters); PubMed 26149271 (cited by 4 submitters); PubMed 2459960 (cited by Variantyx, Inc.); PubMed 0157807 (cited by Variantyx, Inc.); PubMed 38750596 (cited by Natera, Inc.); PubMed 37770946 (cited by Natera, Inc.); PubMed 20631720 (cited by 4 submitters); PubMed 16311595 (cited by Labcorp Genetics (formerly Invitae), Labcorp and Soonchunhyang University Bucheon Hospital, Soonchunhyang University Medical Center); PubMed 30157807 (cited by Labcorp Genetics (formerly Invitae), Labcorp); PubMed 19370762 (cited by Counsyl); PubMed 23825108 (cited by Counsyl); PubMed 24599607 (cited by Counsyl).